The following is an entry in ClinVar:

ClinVar aggregate classification (germline): Uncertain significance (1 of 4 stars; one submission).

Submission:

Ambry Genetics
Classification: Uncertain significance. Last evaluated: 2023-02-27. Review status: criteria provided, single submitter. Criteria: Ambry Variant Classification Scheme 2023. Collection method: clinical testing. Allele origin: germline.
Comment: The p.E609A variant (also known as c.1826A>C), located in coding exon 9 of the PALLD gene, results from an A to C substitution at nucleotide position 1826. The glutamic acid at codon 609 is replaced by alanine, an amino acid with dissimilar properties. This amino acid position is conserved. In addition, this alteration is predicted to be tolerated by in silico analysis. Since supporting evidence is limited at this time, the clinical significance of this alteration remains unclear.

NM_001166108.2(PALLD):c.1826A>C (p.Glu609Ala)

Gene: PALLD (palladin, cytoskeletal associated protein; plus strand). Cytogenetic location: 4q32.3.
Variant type: single nucleotide variant.
Coding change: c.1826A>C on transcript NM_001166108.2 (MANE Select); coding-DNA position 1826, A replaced by C.
Protein change: p.Glu609Ala; replaces glutamic acid 609 with alanine.
Molecular consequence: missense variant.
Genome position (GRCh38, 1-based): chr4:168,711,785, A>C. VCF-style: chr4-168711785-A-C. GRCh37 (hg19) VCF-style: chr4-169632936-A-C.
Other names: c.680A>C, p.Glu227Ala (NM_001166109.2); c.1826A>C, p.Glu609Ala (NM_016081.4); short protein forms E227A, E609A.
Identifiers: ClinVar variation 2497000 (VCV002497000.2), dbSNP rs2531856450, ClinGen allele CA358798422.
Genomic context (GRCh38, chr4:168,711,785, plus strand): 5'-ACCCTGAGTTAGGCCTGAGCAGGGCAGCCCTTCAAATGCAATTCAATGCTGCTGAGAGGG[A>C]AACGAACGGAGTCCATCCCAGCCGTGGAGTAAATGGACTGATTAACGGCAAAGCTAACAG-3'
Protein context (NP_001159580.1, residues 599-619): LQMQFNAAER[Glu609Ala]TNGVHPSRGV